The following is an entry in ClinVar:

ClinVar aggregate classification (germline): Uncertain significance (1 of 4 stars; one submission).

Conditions:
Meckel-Gruber syndrome. Also called: Dysencephalia splachnocystica; DYSENCEPHALIA SPLANCHNOCYSTICA; GRUBER SYNDROME. Identifiers: Orphanet 564, MedGen C0265215, MONDO:0018921.
Joubert syndrome. Also called: Familial aplasia of the vermis; JOUBERT-BOLTSHAUSER SYNDROME. Identifiers: Orphanet 475, MedGen C5979921, MONDO:0018772.

Allele frequency attached by ClinVar (database versions not stated): TOPMed below 0.00001.
gnomAD v4.1: 1 of 1,612,944 alleles (0.000062%); highest among the groups gnomAD compares: African/African-American, 0.0013%; no homozygotes.

Submission:

Labcorp Genetics (formerly Invitae), Labcorp
Classification: Uncertain significance for Joubert syndrome; Meckel-Gruber syndrome. Last evaluated: 2022-02-03. Review status: criteria provided, single submitter. Criteria: Invitae Variant Classification Sherloc (09022015). Collection method: clinical testing. Allele origin: germline.
Comment: In summary, the available evidence is currently insufficient to determine the role of this variant in disease. Therefore, it has been classified as a Variant of Uncertain Significance. Advanced modeling of protein sequence and biophysical properties (such as structural, functional, and spatial information, amino acid conservation, physicochemical variation, residue mobility, and thermodynamic stability) performed at Invitae indicates that this missense variant is expected to disrupt CC2D2A protein function. ClinVar contains an entry for this variant (Variation ID: 956328). This variant has not been reported in the literature in individuals affected with CC2D2A-related conditions. This variant is not present in population databases (gnomAD no frequency). This sequence change replaces asparagine, which is neutral and polar, with lysine, which is basic and polar, at codon 1411 of the CC2D2A protein (p.Asn1411Lys).

NM_001378615.1(CC2D2A):c.4233T>A (p.Asn1411Lys)

Genes: CC2D2A (coiled-coil and C2 domain containing 2A; plus strand), FBXL5 (F-box and leucine rich repeat protein 5; minus strand). Cytogenetic location: 4p15.32.
Variant type: single nucleotide variant.
Coding change: c.4233T>A on transcript NM_001378615.1 (MANE Select); coding-DNA position 4233, T replaced by A.
Protein change: p.Asn1411Lys; replaces asparagine 1411 with lysine.
Molecular consequence: missense variant.
Genome position (GRCh38, 1-based): chr4:15,589,598, T>A. VCF-style: chr4-15589598-T-A. GRCh37 (hg19) VCF-style: chr4-15591221-T-A.
Other names: c.4233T>A, p.Asn1411Lys (NM_001080522.2); c.4086T>A, p.Asn1362Lys (NM_001378617.1); short protein forms N1411K, N1362K.
Identifiers: ClinVar variation 956328 (VCV000956328.10), dbSNP rs1721000269, ClinGen allele CA356429688.
Genomic context (GRCh38, chr4:15,589,598, plus strand): 5'-CTTTCAGGGTCCAACTGCCTATGTGCTAACTTGGGAGCAAGGTCGTTATTTAATATGGAA[T>A]CCCTGCAGTGGACATTTTTATGGACAATTTGATACATTCTGTCCCTTGAAAAATGTGGGC-3'
Protein context (NP_001365544.1, residues 1401-1421): TWEQGRYLIW[Asn1411Lys]PCSGHFYGQF